The following is an entry in ClinVar:

ClinVar aggregate classification (germline): Uncertain significance (1 of 4 stars; one submission).

Conditions:
Inborn genetic diseases. Identifiers: MedGen C0950123, MeSH D030342.

Submission:

Ambry Genetics
Classification: Uncertain significance for Inborn genetic diseases. Last evaluated: 2025-05-06. Review status: criteria provided, single submitter. Criteria: Ambry Variant Classification Scheme 2023. Collection method: clinical testing. Allele origin: germline.
Comment: The p.A653S variant (also known as c.1957G>T), located in coding exon 12 of the RECQL4 gene, results from a G to T substitution at nucleotide position 1957. The alanine at codon 653 is replaced by serine, an amino acid with similar properties. This amino acid position is conserved. In addition, the in silico prediction for this alteration is inconclusive. Based on the available evidence, the clinical significance of this variant remains unclear.

NM_004260.4(RECQL4):c.1957G>T (p.Ala653Ser)

Gene: RECQL4 (RecQ like helicase 4; minus strand). Cytogenetic location: 8q24.3.
Variant type: single nucleotide variant.
Coding change: c.1957G>T on transcript NM_004260.4 (MANE Select); coding-DNA position 1957, G replaced by T.
Protein change: p.Ala653Ser; replaces alanine 653 with serine.
Molecular consequence: missense variant. On other transcripts: non-coding transcript variant (3).
Genome position (GRCh38, 1-based): chr8:144,514,029, C>A on the plus strand (G>T on the coding strand, the complement: RECQL4 is on the minus strand). VCF-style: chr8-144514029-C-A. GRCh37 (hg19) VCF-style: chr8-145739413-C-A.
Other names: c.1861G>T, p.Ala621Ser (NM_001413017.1, NM_001413020.1); c.1957G>T, p.Ala653Ser (NM_001413018.1, NM_001413019.1, NM_001413036.1); c.886G>T, p.Ala296Ser (NM_001413021.1, NM_001413022.1, NM_001413023.1 and 6 more transcripts); c.1828G>T, p.Ala610Ser (NM_001413025.1); c.820G>T, p.Ala274Ser (NM_001413027.1, NM_001413030.1, NM_001413032.1 and 1 more transcripts); c.1606G>T, p.Ala536Ser (NM_001413029.1); c.688G>T, p.Ala230Ser (NM_001413031.1); c.1825G>T, p.Ala609Ser (NM_001413033.1); and 4 more; short protein forms A274S, A164S, A536S, A609S, A643S, A252S, A286S, A296S.
Identifiers: ClinVar variation 3944310 (VCV003944310.1).
Genomic context (GRCh38, chr8:144,514,029, plus strand): 5'-TGGTGGGAACTGGGGCTGGCCCGTGGAGGTCAGGCTCTTCAGCCACAGCCAGGTGCTGTG[C>A]CACGTCACTGGCAGTGCGGCGTGTGGCTGTGGCTGTGAGGCCCAGGAAGCAGTGCACGCC-3'
Protein context (NP_004251.4, residues 643-663): TATRRTASDV[Ala653Ser]QHLAVAEEPD